The following is an entry in ClinVar:

ClinVar aggregate classification (germline): Likely benign. Review status: reviewed by expert panel (3 of 4 stars). 5 submissions from 5 submitters: Likely benign (1). 4 of the submissions do not count toward it. Last evaluated 2017-06-29.

Conditions:
Hereditary cancer-predisposing syndrome. Also called: Neoplastic Syndromes, Hereditary; Hereditary Cancer Syndrome; Tumor predisposition; Hereditary neoplastic syndrome. Identifiers: Orphanet 140162, MedGen C0027672, MeSH D009386, MONDO:0015356.
Hereditary breast ovarian cancer syndrome. Also called: BRCA1- and BRCA2-Associated Hereditary Breast and Ovarian Cancer; Hereditary breast and ovarian cancer syndrome (HBOC); Hereditary breast and ovarian cancer syndrome; Hereditary breast and ovarian cancer; Hereditary breast and/or ovarian cancer syndrome; Breast and ovarian cancer. Identifiers: Orphanet 145, MedGen C0677776, MeSH D061325, MONDO:0003582. Disease mechanism: loss of function.
Breast-ovarian cancer, familial, susceptibility to, 2 (BROVCA2). Also called: BRCA2 Hereditary Breast and Ovarian Cancer. Identifiers: Orphanet 145, MedGen C2675520, MONDO:0012933, OMIM 612555. Disease mechanism: loss of function.

Allele frequency attached by ClinVar (database versions not stated): gnomAD exomes below 0.00001; ExAC 0.00001.
gnomAD v4.1: 1 of 1,612,582 alleles (0.000062%); highest among the groups gnomAD compares: Non-Finnish European, 0.000085%; no homozygotes.

Submissions (5):

Evidence-based Network for the Interpretation of Germline Mutant Alleles (ENIGMA)
Classification: Likely benign for Breast-ovarian cancer, familial, susceptibility to, 2. Last evaluated: 2017-06-29. Review status: reviewed by expert panel. Criteria: ENIGMA BRCA1/2 Classification Criteria (2017-06-29). Collection method: curation. Allele origin: germline.
Comment: Synonymous substitution variant, with low bioinformatic likelihood to result in a splicing aberration (Splicing prior probability 0.02).

Color Diagnostics, LLC DBA Color Health
Classification: Likely benign for Hereditary cancer-predisposing syndrome. Last evaluated: 2025-08-22. Review status: criteria provided, single submitter. Criteria: ACMG Guidelines, 2015. Collection method: clinical testing. Allele origin: germline. Not counted in ClinVar's aggregate classification.

CeGaT Center for Human Genetics Tuebingen
Classification: Likely benign. Last evaluated: 2024-10-01. Review status: criteria provided, single submitter. Criteria: CeGaT Center For Human Genetics Tuebingen Variant Classification Criteria Version 2. Collection method: clinical testing. Allele origin: germline. Affected: yes. Observed: 1 variant allele. Not counted in ClinVar's aggregate classification.
Comment: BRCA2: BP4, BP7

Labcorp Genetics (formerly Invitae), Labcorp
Classification: Likely benign for Hereditary breast ovarian cancer syndrome. Last evaluated: 2021-12-15. Review status: criteria provided, single submitter. Criteria: Invitae Variant Classification Sherloc (09022015). Collection method: clinical testing. Allele origin: germline. Not counted in ClinVar's aggregate classification.

Ambry Genetics
Classification: Likely benign for Hereditary cancer-predisposing syndrome. Last evaluated: 2015-07-08. Review status: criteria provided, single submitter. Criteria: Ambry Variant Classification Scheme 2023. Collection method: clinical testing. Allele origin: germline. Not counted in ClinVar's aggregate classification.

NM_000059.4(BRCA2):c.2862G>A (p.Glu954=)

Gene: BRCA2 (BRCA2 DNA repair associated; plus strand). Cytogenetic location: 13q13.1.
Variant type: single nucleotide variant.
Coding change: c.2862G>A on transcript NM_000059.4 (MANE Select); coding-DNA position 2862, G replaced by A.
Protein change: p.Glu954=; no amino-acid change (glutamic acid 954 retained).
Molecular consequence: synonymous variant.
Genome position (GRCh38, 1-based): chr13:32,337,217, G>A. VCF-style: chr13-32337217-G-A. GRCh37 (hg19) VCF-style: chr13-32911354-G-A.
Identifiers: ClinVar variation 232907 (VCV000232907.30), dbSNP rs752137159, ClinGen allele CA6940637.